The following is an entry in ClinVar:

ClinVar aggregate classification (germline): Likely pathogenic (1 of 4 stars; one submission).

Submission:

Labcorp Genetics (formerly Invitae), Labcorp
Classification: Likely pathogenic. Last evaluated: 2025-08-21. Review status: criteria provided, single submitter. Criteria: Invitae Variant Classification Sherloc (09022015). Collection method: clinical testing. Allele origin: germline.
Comment: This sequence change replaces leucine, which is neutral and non-polar, with proline, which is neutral and non-polar, at codon 356 of the RTN4IP1 protein (p.Leu356Pro). This variant is not present in population databases (gnomAD no frequency). This missense change has been observed in individuals with optic atrophy (PMID: 29181510, 35754085). It has also been observed to segregate with disease in related individuals. Invitae Evidence Modeling of protein sequence and biophysical properties (such as structural, functional, and spatial information, amino acid conservation, physicochemical variation, residue mobility, and thermodynamic stability) indicates that this missense variant is expected to disrupt RTN4IP1 protein function with a positive predictive value of 80%. In summary, the currently available evidence indicates that the variant is pathogenic, but additional data are needed to prove that conclusively. Therefore, this variant has been classified as Likely Pathogenic.

Literature cited by the submitters: PubMed 29181510; PubMed 35754085.

NM_032730.5(RTN4IP1):c.1067T>C (p.Leu356Pro)

Gene: RTN4IP1 (reticulon 4 interacting protein 1; minus strand). Cytogenetic location: 6q21.
Variant type: single nucleotide variant.
Coding change: c.1067T>C on transcript NM_032730.5 (MANE Select); coding-DNA position 1067, T replaced by C.
Protein change: p.Leu356Pro; replaces leucine 356 with proline.
Molecular consequence: missense variant.
Genome position (GRCh38, 1-based): chr6:106,583,344, A>G on the plus strand (T>C on the coding strand, the complement: RTN4IP1 is on the minus strand). VCF-style: chr6-106583344-A-G. GRCh37 (hg19) VCF-style: chr6-107031219-A-G.
Other names: c.767T>C, p.Leu256Pro (NM_001318746.1); short protein forms L256P, L356P.
Identifiers: ClinVar variation 4737591 (VCV004737591.1).
Genomic context (GRCh38, chr6:106,583,344, plus strand): 5'-TAGAAATACAAAGGCTTCCAATCCAGGTTTCCAGGTGCACGTACCTTTCCCGCATCCACC[A>G]GTTCTGCAATGTCATCTAAACATGGGCCACTGGCCATGAAAAATGCCCAGCGATAATGGA-3'
Protein context (NP_116119.2, residues 346-366): SGPCLDDIAE[Leu356Pro]VDAGKIRPVI